The following is an entry in ClinVar:

NM_000038.6(APC):c.4012C>T (p.Gln1338Ter)

Gene: APC (APC regulator of Wnt signaling pathway; plus strand). Cytogenetic location: 5q22.2.
Variant type: single nucleotide variant.
Coding change: c.4012C>T on transcript NM_000038.6 (MANE Select); coding-DNA position 4012, C replaced by T.
Protein change: p.Gln1338Ter; replaces glutamine 1338 with a stop codon.
Molecular consequence: nonsense.
Genome position (GRCh38, 1-based): chr5:112,839,606, C>T. VCF-style: chr5-112839606-C-T. GRCh37 (hg19) VCF-style: chr5-112175303-C-T.
Other names: c.4012C>T, p.Gln1338Ter (NM_001127510.3, NM_001354895.2); c.3958C>T, p.Gln1320Ter (NM_001127511.3); c.4066C>T, p.Gln1356Ter (NM_001354896.2); c.4042C>T, p.Gln1348Ter (NM_001354897.2); c.3937C>T, p.Gln1313Ter (NM_001354898.2); c.3928C>T, p.Gln1310Ter (NM_001354899.2); c.3889C>T, p.Gln1297Ter (NM_001354900.2); c.3835C>T, p.Gln1279Ter (NM_001354901.2); and 5 more; short protein forms Q1338*, Q1320*, Q1237*, Q1279*, Q1297*, Q1348*, Q1212*, Q1055*.
Identifiers: ClinVar variation 801 (VCV000000801.13), dbSNP rs121913327, ClinGen allele CA008865.
Genomic context (GRCh38, chr5:112,839,606, plus strand): 5'-GATCCTGTGAGCGAAGTTCCAGCAGTGTCACAGCACCCTAGAACCAAATCCAGCAGACTG[C>T]AGGGTTCTAGTTTATCTTCAGAATCAGCCAGGCACAAAGCTGTTGAATTTTCTTCAGGAG-3'

ClinVar aggregate classification (germline): Pathogenic. Review status: criteria provided, multiple submitters, no conflicts (2 of 4 stars). 4 submissions from 4 submitters: Pathogenic (2). 2 of the submissions do not count toward it. Last evaluated 2023-02-23.

Conditions:
Familial adenomatous polyposis 1 (FAP1). Also called: POLYPOSIS, ADENOMATOUS INTESTINAL; FAMILIAL ADENOMATOUS POLYPOSIS 1, ATTENUATED. Identifiers: MedGen C2713442, MONDO:0021056, OMIM 175100. Disease mechanism: loss of function.
Carcinoma of colon (CRC). Also called: Colonic carcinoma; Colon carcinoma. Identifiers: MedGen C0699790, MONDO:0002032.

Submissions (4):

Myriad Genetics, Inc.
Classification: Pathogenic for Familial adenomatous polyposis 1. Last evaluated: 2023-02-23. Review status: criteria provided, single submitter. Criteria: Myriad Autosomal Dominant, Autosomal Recessive and X-Linked Classification Criteria (2023). Collection method: clinical testing. Allele origin: unknown.
Comment: This variant is considered pathogenic. This variant creates a termination codon and is predicted to result in premature protein truncation.

Labcorp Genetics (formerly Invitae), Labcorp
Classification: Pathogenic for Familial adenomatous polyposis 1. Last evaluated: 2014-11-01. Review status: criteria provided, single submitter. Criteria: Invitae Variant Classification Sherloc (09022015). Collection method: clinical testing. Allele origin: germline.
Comment: For these reasons, this sequence change has been classified as Pathogenic. This sequence change is reported in a patient with adenomatous polyposis as CAG>TAG at nt 4015 (PMID: 8381579). This sequence change has been reported in the literature and is not present in population databases (rs121913327). This sequence change creates a premature translational stop signal at codon 1338 (p.Gln1338*). It is expected to result in an absent or disrupted protein product.

Counsyl
Classification: Pathogenic for Familial adenomatous polyposis 1. Last evaluated: 2016-03-22. Review status: no assertion criteria provided. Collection method: clinical testing. Allele origin: unknown. Not counted in ClinVar's aggregate classification.

OMIM
Classification: Pathogenic for COLORECTAL CANCER, SOMATIC. Last evaluated: 1991-08-09. Review status: no assertion criteria provided. Collection method: literature only. Allele origin: somatic. Not counted in ClinVar's aggregate classification.

Literature cited by the submitters: PubMed 8381579 (cited by Labcorp Genetics (formerly Invitae), Labcorp and Counsyl); PubMed 20223039 (cited by Counsyl); PubMed 20685668 (cited by Counsyl); PubMed 1651563 (cited by OMIM).